The following is an entry in ClinVar:

ClinVar aggregate classification (germline): Uncertain significance. Review status: criteria provided, multiple submitters, no conflicts (2 of 4 stars). 2 submissions from 2 submitters: Uncertain significance (2). Last evaluated 2024-08-12.

Conditions:
Inborn genetic diseases. Identifiers: MedGen C0950123, MeSH D030342.

Allele frequency attached by ClinVar (database versions not stated): TOPMed below 0.00001; gnomAD exomes 0.00001 and 0.00002.
gnomAD v4.1: 5 of 1,585,020 alleles (0.00032%); highest among the groups gnomAD compares: Admixed American, 0.0035%; no homozygotes.

Submissions (2):

Ambry Genetics
Classification: Uncertain significance for Inborn genetic diseases. Last evaluated: 2024-08-12. Review status: criteria provided, single submitter. Criteria: Ambry Variant Classification Scheme 2023. Collection method: clinical testing. Allele origin: germline.

Labcorp Genetics (formerly Invitae), Labcorp
Classification: Uncertain significance. Last evaluated: 2021-10-14. Review status: criteria provided, single submitter. Criteria: Invitae Variant Classification Sherloc (09022015). Collection method: clinical testing. Allele origin: germline.
Comment: This sequence change replaces serine with asparagine at codon 228 of the ASAH1 protein (p.Ser228Asn). The serine residue is highly conserved and there is a small physicochemical difference between serine and asparagine. This variant is not present in population databases (ExAC no frequency). This variant has not been reported in the literature in individuals affected with ASAH1-related conditions. Algorithms developed to predict the effect of missense changes on protein structure and function output the following: SIFT: "Deleterious"; PolyPhen-2: "Benign"; Align-GVGD: "Class C0". The asparagine amino acid residue is found in multiple mammalian species, which suggests that this missense change does not adversely affect protein function. In summary, the available evidence is currently insufficient to determine the role of this variant in disease. Therefore, it has been classified as a Variant of Uncertain Significance.

NM_177924.5(ASAH1):c.683G>A (p.Ser228Asn)

Gene: ASAH1 (N-acylsphingosine amidohydrolase 1; minus strand). Cytogenetic location: 8p22.
Variant type: single nucleotide variant.
Coding change: c.683G>A on transcript NM_177924.5 (MANE Select); coding-DNA position 683, G replaced by A.
Protein change: p.Ser228Asn; replaces serine 228 with asparagine.
Molecular consequence: missense variant.
Genome position (GRCh38, 1-based): chr8:18,061,706, C>T on the plus strand (G>A on the coding strand, the complement: ASAH1 is on the minus strand). VCF-style: chr8-18061706-C-T. GRCh37 (hg19) VCF-style: chr8-17919215-C-T.
Other names: c.665G>A, p.Ser222Asn (NM_001127505.3); c.488G>A, p.Ser163Asn (NM_001363743.2); c.731G>A, p.Ser244Asn (NM_004315.6); c.683G>A (NM_177924.3); short protein forms S228N, S163N, S222N, S244N.
Identifiers: ClinVar variation 1494924 (VCV001494924.7), dbSNP rs1453515191, ClinGen allele CA370429624.